The following is an entry in ClinVar:

ClinVar aggregate classification (germline): Likely pathogenic (1 of 4 stars; one submission).

Submission:

GeneDx
Classification: Likely pathogenic. Last evaluated: 2017-02-16. Review status: criteria provided, single submitter. Criteria: GeneDx Variant Classification (06012015). Collection method: clinical testing. Allele origin: germline. Affected: yes.
Comment: A variant that is likely pathogenic has been identified in the CHD2 gene. The c.3016_3019delGAGA variant has not been published as a pathogenic variant, nor has it been reported as a benign variant to our knowledge. The c.3016_3019delGAGA variant is not observed in large population cohorts (Lek et al., 2016; 1000 Genomes Consortium et al., 2015; Exome Variant Server. The c.3016_3019delGAGA variant in the CHD2 gene causes a frameshift starting with codon Glutamic acid 1006 , changes this amino acid to a Methionine residue and creates a premature Stop codon at position 29 of the new reading frame, denoted p.E1006MfsX29. This variant is predicted to cause loss of normal protein function either through protein truncation or nonsense-mediated mRNA decay. Therefore, this variant is likely pathogenic; however, the possibility that it is benign cannot be excluded.

NM_001271.4(CHD2):c.3016_3019del (p.Glu1006fs)

Genes: CHD2 (chromodomain helicase DNA binding protein 2; plus strand), LOC126862230 (P300/CBP strongly-dependent group 1 enhancer GRCh37_chr15:93523977-93525176; plus strand). Cytogenetic location: 15q26.1.
Variant type: Microsatellite.
Coding change: c.3016_3019del on transcript NM_001271.4 (MANE Select); coding-DNA positions 3016 to 3019, 4 bases deleted (GAGA; older notation c.3016_3019delGAGA).
Protein change: p.Glu1006fs; shifts the reading frame from glutamic acid 1006.
Molecular consequence: frameshift variant.
Genome position (GRCh38, 1-based): chr15:92,981,407-92,981,410, GAGA deleted; deleting any 4 consecutive bases within chr15:92,981,403-92,981,410 gives the same sequence; the c. name uses the placement nearest the transcript's 3' end. VCF-style (leftmost placement, unchanged base first): chr15-92981402-CGAGA-C. GRCh37 (hg19) VCF-style: chr15-93524632-CGAGA-C.
Other names: short protein forms E1006fs.
Identifiers: ClinVar variation 423565 (VCV000423565.2), dbSNP rs1064796496, ClinGen allele CA16620050.